The following is an entry in ClinVar:

NM_138572.3(TAF8):c.781-1G>A

Gene: TAF8 (TATA-box binding protein associated factor 8; plus strand). Cytogenetic location: 6p21.1.
Variant type: single nucleotide variant.
Coding change: c.781-1G>A on transcript NM_138572.3 (MANE Select); the canonical splice acceptor site of the intron before coding-DNA position 781, G replaced by A.
Molecular consequence: splice acceptor variant.
Genome position (GRCh38, 1-based): chr6:42,077,099, G>A. VCF-style: chr6-42077099-G-A. GRCh37 (hg19) VCF-style: chr6-42044837-G-A.
Other names: IVS7AS, G-A, -1; c.781-1G>A (NM_001410906.1, NM_001410907.1).
Identifiers: ClinVar variation 638647 (VCV000638647.5), dbSNP rs371261267, ClinGen allele CA3804841.

ClinVar aggregate classification (germline): Pathogenic. Review status: criteria provided, multiple submitters, no conflicts (2 of 4 stars). 4 submissions from 4 submitters: Pathogenic (3). 1 of the submissions does not count toward it. Last evaluated 2025-03-13.

Conditions:
Partial agenesis of the corpus callosum (PACC). Also called: Partial agenesis of corpus callosum; Severe intellectual retardation and intractable seizures. Identifiers: MedGen C0431368, HP:0001338.
Microcephaly. Also called: Microcephaly (disease). Identifiers: MedGen C4551563, MONDO:0001149, HP:0000252.
Severe global developmental delay. Also called: Severe psychomotor retardation. Identifiers: MedGen C1837397, HP:0011344.
TAF8-related disorder. Also called: TAF8-related condition.
Neurodevelopmental disorder with severe motor impairment, absent language, cerebral hypomyelination, and brain atrophy (NEDMLHB). Also called: TAF8-Related Neurodevelopmental Disorder. Identifiers: MedGen C5774185, MONDO:0859266, OMIM 619972.

Allele frequency attached by ClinVar (database versions not stated): ExAC 0.00001; gnomAD 0.00002 and 0.00004; gnomAD exomes 0.00004 and 0.00005; ESP Exome Variant Server 0.00008; TOPMed 0.00008.
gnomAD v4.1: 81 of 1,610,656 alleles (0.005%); highest among the groups gnomAD compares: Admixed American, 0.012%; no homozygotes.

Submissions (4):

Variantyx, Inc.
Classification: Pathogenic for Neurodevelopmental disorder with severe motor impairment, absent language, cerebral hypomyelination, and brain atrophy. Last evaluated: 2025-03-13. Review status: criteria provided, single submitter. Criteria: Variantyx Assertion Criteria 2022. Collection method: clinical testing. Allele origin: germline. Affected: yes.
Comment: This is a canonical splicing variant in the TAF8 gene (OMIM: 609514). Pathogenic variants in this gene have been associated with autosomal recessive neurodevelopmental disorder with severe motor impairment, absent language, cerebral hypomyelination, and brain atrophy. This splicing variant is expected to result in loss of function, which is a known disease mechanism for TAF8 in this disorder (PMID: 29648665, 35759269) (PVS1). This variant has a 0.0118% maximum allele frequency in non-founder control populations (PM2_Supporting). Based on the current evidence, this variant is classified as pathogenic for autosomal recessive neurodevelopmental disorder with severe motor impairment, absent language, cerebral hypomyelination, and brain atrophy.

PreventionGenetics, part of Exact Sciences
Classification: Pathogenic for TAF8-related condition. Last evaluated: 2023-10-13. Review status: criteria provided, single submitter. Criteria: ACMG Guidelines, 2015. Collection method: clinical testing. Allele origin: germline.
Comment: The TAF8 c.781-1G>A variant is predicted to disrupt the AG splice acceptor site and interfere with normal splicing. This variant has been reported in the homozygous state in individuals with intellectual disability, microcephaly, poor growth, and neurologic features (El-Saafin et al. 2018. PubMed ID: 29648665; Table 1, Wong et al. 2022. PubMed ID: 35759269). TAF8 protein was not detectable in patient derived fibroblasts (El-Saafin et al. 2018. PubMed ID: 29648665). This variant is reported in 0.021% of alleles in individuals of Latino descent in gnomAD. This variant is interpreted as pathogenic.

Laboratoire de Genetique Biologique, CHU de Poitiers
Classification: Pathogenic for Microcephaly; Severe global developmental delay; Partial agenesis of the corpus callosum. Last evaluated: 2019-05-07. Review status: criteria provided, single submitter. Criteria: ACMG Guidelines, 2015. Collection method: clinical testing. Allele origin: germline. Inheritance: Autosomal recessive inheritance. Affected: yes. Observed: 1 homozygote.
Comment: Correlation genotype/phenotype as compared with the published patient in PMID-29648665

OMIM
Classification: Pathogenic for NEURODEVELOPMENTAL DISORDER WITH SEVERE MOTOR IMPAIRMENT, ABSENT LANGUAGE, CEREBRAL HYPOMYELINATION, AND BRAIN ATROPHY. Last evaluated: 2022-07-28. Review status: no assertion criteria provided. Collection method: literature only. Allele origin: germline. Not counted in ClinVar's aggregate classification.

Literature cited by the submitters: PubMed 29648665 (cited by Laboratoire de Genetique Biologique, CHU de Poitiers and OMIM); PubMed 35759269 (cited by OMIM).